The following is an entry in ClinVar:

ClinVar aggregate classification (germline): Likely pathogenic (1 of 4 stars; one submission).

Submission:

GeneDx
Classification: Likely pathogenic. Last evaluated: 2021-12-28. Review status: criteria provided, single submitter. Criteria: GeneDx Variant Classification Process June 2021. Collection method: clinical testing. Allele origin: germline. Affected: yes.
Comment: Frameshift variant predicted to result in protein truncation or nonsense mediated decay in a gene for which loss-of-function is a known mechanism of disease; Not observed at significant frequency in large population cohorts (gnomAD); Has not been previously published as pathogenic or benign to our knowledge

NM_000070.3(CAPN3):c.1053del (p.Lys352fs)

Gene: CAPN3 (calpain 3; plus strand). Cytogenetic location: 15q15.1.
Variant type: Deletion.
Coding change: c.1053del on transcript NM_000070.3 (MANE Select); coding-DNA position 1053, one base deleted (G; older notation c.1053delG).
Protein change: p.Lys352fs; shifts the reading frame from lysine 352.
Molecular consequence: frameshift variant.
Genome position (GRCh38, 1-based): chr15:42,394,279, G deleted. VCF-style (leftmost placement, unchanged base first): chr15-42394278-TG-T. GRCh37 (hg19) VCF-style: chr15-42686476-TG-T.
Other names: c.1053del, p.Lys352fs (NM_024344.2); c.909del, p.Lys304fs (NM_173087.2); c.1053delG (NM_000070.2); short protein forms K304fs, K352fs.
Identifiers: ClinVar variation 817373 (VCV000817373.3), dbSNP rs1595828589, ClinGen allele CA915946548.